The following is an entry in ClinVar:

NM_000284.4(PDHA1):c.604-15C>T

Gene: PDHA1 (pyruvate dehydrogenase E1 subunit alpha 1; plus strand). Cytogenetic location: Xp22.12.
Variant type: single nucleotide variant.
Coding change: c.604-15C>T on transcript NM_000284.4 (MANE Select); 15 bases into the intron before coding-DNA position 604, C replaced by T.
Molecular consequence: intron variant.
Genome position (GRCh38, 1-based): chrX:19,355,334, C>T. VCF-style: chrX-19355334-C-T. GRCh37 (hg19) VCF-style: chrX-19373452-C-T.
Other names: p.?; c.718-15C>T (NM_001173454.2); c.625-15C>T (NM_001173455.2); c.511-15C>T (NM_001173456.2).
Identifiers: ClinVar variation 138645 (VCV000138645.12), dbSNP rs13440874, ClinGen allele CA292720.

ClinVar aggregate classification (germline): Benign. Review status: criteria provided, multiple submitters, no conflicts (2 of 4 stars). 4 submissions from 4 submitters: Benign (4). Last evaluated 2026-02-04.

Conditions:
Pyruvate dehydrogenase E1-alpha deficiency (PDHAD). Also called: ATAXIA, INTERMITTENT, WITH PYRUVATE DEHYDROGENASE DEFICIENCY; ATAXIA WITH LACTIC ACIDOSIS I; ATAXIA, INTERMITTENT, WITH ABNORMAL PYRUVATE METABOLISM; Ataxia, intermittent, with pyruvate dehydrogenase, or decarboxylase, deficiency. Identifiers: Orphanet 79243, MedGen C1839413, MONDO:0010717, OMIM 312170.

Allele frequency attached by ClinVar (database versions not stated): gnomAD 0.03269; TOPMed 0.03870; ESP Exome Variant Server 0.04156; 1000 Genomes Project 30x 0.05806.
gnomAD v4.1: 39,447 of 1,208,721 alleles (3.3%); highest among the groups gnomAD compares: South Asian, 14%; 667 homozygotes.

Submissions (4):

Labcorp Genetics (formerly Invitae), Labcorp
Classification: Benign for Pyruvate dehydrogenase E1-alpha deficiency. Last evaluated: 2026-02-04. Review status: criteria provided, single submitter. Criteria: Invitae Variant Classification Sherloc (09022015). Collection method: clinical testing. Allele origin: germline.

Mayo Clinic Laboratories, Mayo Clinic
Classification: Benign. Last evaluated: 2024-07-22. Review status: criteria provided, single submitter. Criteria: ACMG Guidelines, 2015. Collection method: clinical testing. Allele origin: germline. Observed: 2 variant alleles.

GeneDx
Classification: Benign. Last evaluated: 2011-07-06. Review status: criteria provided, single submitter. Criteria: GeneDx Variant Classification (06012015). Collection method: clinical testing. Allele origin: germline. Affected: yes.
Comment: This variant is considered likely benign or benign based on one or more of the following criteria: it is a conservative change, it occurs at a poorly conserved position in the protein, it is predicted to be benign by multiple in silico algorithms, and/or has population frequency not consistent with disease.

Breakthrough Genomics
Classification: Benign. Review status: criteria provided, single submitter. Criteria: ACMG Guidelines, 2015. Collection method: not provided. Allele origin: germline. Inheritance: X-linked inheritance. Affected: yes.